The following is an entry in ClinVar:

NM_001347886.2(DNAH3):c.1451G>A (p.Arg484His)

Gene: DNAH3 (dynein axonemal heavy chain 3; minus strand). Cytogenetic location: 16p12.3.
Variant type: single nucleotide variant.
Coding change: c.1451G>A on transcript NM_001347886.2 (MANE Select); coding-DNA position 1451, G replaced by A.
Protein change: p.Arg484His; replaces arginine 484 with histidine.
Molecular consequence: missense variant.
Genome position (GRCh38, 1-based): chr16:21,121,991, C>T on the plus strand (G>A on the coding strand, the complement: DNAH3 is on the minus strand). VCF-style: chr16-21121991-C-T. GRCh37 (hg19) VCF-style: chr16-21133312-C-T.
Other names: c.1451G>A, p.Arg484His (NM_001394581.1); c.1538G>A, p.Arg513His (NM_017539.2); c.1538G>A (NM_017539.1); short protein forms R484H, R513H.
Identifiers: ClinVar variation 3774664 (VCV003774664.2).

ClinVar aggregate classification (germline): Conflicting classifications of pathogenicity. Review status: criteria provided, conflicting classifications (1 of 4 stars). 2 submissions from 2 submitters: Uncertain significance (1); Likely benign (1). Last evaluated 2025-06-03.

Submissions (2):

Ambry Genetics
Classification: Likely benign. Last evaluated: 2025-06-03. Review status: criteria provided, single submitter. Criteria: Ambry Variant Classification Scheme 2023. Collection method: clinical testing. Allele origin: germline.

GeneDx
Classification: Uncertain significance. Last evaluated: 2022-03-08. Review status: criteria provided, single submitter. Criteria: GeneDx Variant Classification Process June 2021. Collection method: clinical testing. Allele origin: germline. Affected: yes.
Comment: In silico analysis supports that this missense variant does not alter protein structure/function; Has not been previously published as pathogenic or benign to our knowledge; Variants in candidate genes are classified as variants of uncertain significance in accordance with ACMG guidelines (Richards et al., 2015)